The following is an entry in ClinVar:

ClinVar aggregate classification (germline): Uncertain significance (1 of 4 stars; one submission).

Allele frequency attached by ClinVar (database versions not stated): gnomAD exomes below 0.00001 and 0.00001.
gnomAD v4.1: 5 of 1,210,102 alleles (0.00041%); highest among the groups gnomAD compares: Non-Finnish European, 0.00056%; no homozygotes.

Submission:

Labcorp Genetics (formerly Invitae), Labcorp
Classification: Uncertain significance. Last evaluated: 2025-11-10. Review status: criteria provided, single submitter. Criteria: Invitae Variant Classification Sherloc (09022015). Collection method: clinical testing. Allele origin: germline.
Comment: This sequence change replaces isoleucine, which is neutral and non-polar, with valine, which is neutral and non-polar, at codon 1433 of the CACNA1F protein (p.Ile1433Val). The frequency data for this variant in the population databases is considered unreliable, as metrics indicate poor data quality at this position in the gnomAD database. This variant has not been reported in the literature in individuals affected with CACNA1F-related conditions. ClinVar contains an entry for this variant (Variation ID: 1482562). Invitae Evidence Modeling of protein sequence and biophysical properties (such as structural, functional, and spatial information, amino acid conservation, physicochemical variation, residue mobility, and thermodynamic stability) has been performed for this missense variant. However, the output from this modeling did not meet the statistical confidence thresholds required to predict the impact of this variant on CACNA1F protein function. In summary, the available evidence is currently insufficient to determine the role of this variant in disease. Therefore, it has been classified as a Variant of Uncertain Significance.

NM_001256789.3(CACNA1F):c.4264A>G (p.Ile1422Val)

Gene: CACNA1F (calcium voltage-gated channel subunit alpha1 F; minus strand). Cytogenetic location: Xp11.23.
Variant type: single nucleotide variant.
Coding change: c.4264A>G on transcript NM_001256789.3 (MANE Select); coding-DNA position 4264, A replaced by G.
Protein change: p.Ile1422Val; replaces isoleucine 1422 with valine.
Molecular consequence: missense variant.
Genome position (GRCh38, 1-based): chrX:49,211,089, T>C on the plus strand (A>G on the coding strand, the complement: CACNA1F is on the minus strand). VCF-style: chrX-49211089-T-C. GRCh37 (hg19) VCF-style: chrX-49067549-T-C.
Other names: c.4102A>G, p.Ile1368Val (NM_001256790.3); c.4297A>G, p.Ile1433Val (NM_005183.4); short protein forms I1368V, I1433V, I1422V.
Identifiers: ClinVar variation 1482562 (VCV001482562.8), dbSNP rs1557106131, ClinGen allele CA412961430.